The following is an entry in ClinVar:

ClinVar aggregate classification (germline): Likely benign (1 of 4 stars; one submission).

Allele frequency attached by ClinVar (database versions not stated): gnomAD exomes 0.00001; gnomAD 0.00006.
gnomAD v4.1: 11 of 1,377,198 alleles (0.0008%); highest among the groups gnomAD compares: African/African-American, 0.0079%; no homozygotes.

Submission:

CeGaT Center for Human Genetics Tuebingen
Classification: Likely benign. Last evaluated: 2024-01-01. Review status: criteria provided, single submitter. Criteria: CeGaT Center For Human Genetics Tuebingen Variant Classification Criteria Version 2. Collection method: clinical testing. Allele origin: germline. Affected: yes. Observed: 3 variant alleles.
Comment: CLIC6: BP4, BP7

NM_053277.3(CLIC6):c.651G>C (p.Gly217=)

Gene: CLIC6 (CLIC family member 6; plus strand). Cytogenetic location: 21q22.12.
Variant type: single nucleotide variant.
Coding change: c.651G>C on transcript NM_053277.3 (MANE Select); coding-DNA position 651, G replaced by C.
Protein change: p.Gly217=; no amino-acid change (glycine 217 retained).
Molecular consequence: synonymous variant.
Genome position (GRCh38, 1-based): chr21:34,670,039, G>C. VCF-style: chr21-34670039-G-C. GRCh37 (hg19) VCF-style: chr21-36042338-G-C.
Other names: c.651G>C, p.Gly217= (NM_001317009.2).
Identifiers: ClinVar variation 2652635 (VCV002652635.24), dbSNP rs1320787221, ClinGen allele CA512346553.